The following is an entry in ClinVar:

ClinVar aggregate classification (germline): Uncertain significance (1 of 4 stars; one submission).

Submission:

Labcorp Genetics (formerly Invitae), Labcorp
Classification: Uncertain significance. Last evaluated: 2025-11-16. Review status: criteria provided, single submitter. Criteria: Invitae Variant Classification Sherloc (09022015). Collection method: clinical testing. Allele origin: germline.
Comment: This sequence change replaces isoleucine, which is neutral and non-polar, with valine, which is neutral and non-polar, at codon 1802 of the CHD5 protein (p.Ile1802Val). This variant is not present in population databases (gnomAD no frequency). This variant has not been reported in the literature in individuals affected with CHD5-related conditions. Invitae Evidence Modeling of protein sequence and biophysical properties (such as structural, functional, and spatial information, amino acid conservation, physicochemical variation, residue mobility, and thermodynamic stability) indicates that this missense variant is not expected to disrupt CHD5 protein function with a negative predictive value of 80%. In summary, the available evidence is currently insufficient to determine the role of this variant in disease. Therefore, it has been classified as a Variant of Uncertain Significance.

NM_015557.3(CHD5):c.5404A>G (p.Ile1802Val)

Gene: CHD5 (chromodomain helicase DNA binding protein 5; minus strand). Cytogenetic location: 1p36.31.
Variant type: single nucleotide variant.
Coding change: c.5404A>G on transcript NM_015557.3 (MANE Select); coding-DNA position 5404, A replaced by G.
Protein change: p.Ile1802Val; replaces isoleucine 1802 with valine.
Molecular consequence: missense variant.
Genome position (GRCh38, 1-based): chr1:6,109,969, T>C on the plus strand (A>G on the coding strand, the complement: CHD5 is on the minus strand). VCF-style: chr1-6109969-T-C. GRCh37 (hg19) VCF-style: chr1-6170029-T-C.
Other names: short protein forms I1802V.
Identifiers: ClinVar variation 4744530 (VCV004744530.1).